The following is an entry in ClinVar:

ClinVar aggregate classification (germline): Uncertain significance (1 of 4 stars; one submission).

Allele frequency attached by ClinVar (database versions not stated): gnomAD exomes below 0.00001.
gnomAD v4.1: 2 of 1,551,718 alleles (0.00013%); highest among the groups gnomAD compares: Non-Finnish European, 0.00017%; no homozygotes.

Submission:

Labcorp Genetics (formerly Invitae), Labcorp
Classification: Uncertain significance. Last evaluated: 2022-07-16. Review status: criteria provided, single submitter. Criteria: Invitae Variant Classification Sherloc (09022015). Collection method: clinical testing. Allele origin: germline.
Comment: This variant is not present in population databases (gnomAD no frequency). This sequence change replaces alanine, which is neutral and non-polar, with threonine, which is neutral and polar, at codon 1018 of the CPLANE1 protein (p.Ala1018Thr). In summary, the available evidence is currently insufficient to determine the role of this variant in disease. Therefore, it has been classified as a Variant of Uncertain Significance. Advanced modeling of protein sequence and biophysical properties (such as structural, functional, and spatial information, amino acid conservation, physicochemical variation, residue mobility, and thermodynamic stability) performed at Invitae indicates that this missense variant is expected to disrupt CPLANE1 protein function. This variant has not been reported in the literature in individuals affected with CPLANE1-related conditions.

NM_001384732.1(CPLANE1):c.3052G>A (p.Ala1018Thr)

Gene: CPLANE1 (ciliogenesis and planar polarity effector complex subunit 1; minus strand). Cytogenetic location: 5p13.2.
Variant type: single nucleotide variant.
Coding change: c.3052G>A on transcript NM_001384732.1 (MANE Select); coding-DNA position 3052, G replaced by A.
Protein change: p.Ala1018Thr; replaces alanine 1018 with threonine.
Molecular consequence: missense variant.
Genome position (GRCh38, 1-based): chr5:37,206,294, C>T on the plus strand (G>A on the coding strand, the complement: CPLANE1 is on the minus strand). VCF-style: chr5-37206294-C-T. GRCh37 (hg19) VCF-style: chr5-37206396-C-T.
Other names: c.3052G>A, p.Ala1018Thr (NM_023073.4); short protein forms A1018T.
Identifiers: ClinVar variation 2017634 (VCV002017634.4), dbSNP rs2548234338, ClinGen allele CA359516558.